The following is an entry in ClinVar:

NM_000094.4(COL7A1):c.6452A>G (p.Asn2151Ser)

Gene: COL7A1 (collagen type VII alpha 1 chain; minus strand). Cytogenetic location: 3p21.31.
Variant type: single nucleotide variant.
Coding change: c.6452A>G on transcript NM_000094.4 (MANE Select); coding-DNA position 6452, A replaced by G.
Protein change: p.Asn2151Ser; replaces asparagine 2151 with serine.
Molecular consequence: missense variant.
Genome position (GRCh38, 1-based): chr3:48,574,492, T>C on the plus strand (A>G on the coding strand, the complement: COL7A1 is on the minus strand). VCF-style: chr3-48574492-T-C. GRCh37 (hg19) VCF-style: chr3-48611925-T-C.
Other names: short protein forms N2151S.
Identifiers: ClinVar variation 4744298 (VCV004744298.1).
Genomic context (GRCh38, chr3:48,574,492, plus strand): 5'-CAATACATGTGAGAGCCACCTTCTTGCACATGTGTGGCTGTTGGGCAAGGACTTACCGGG[T>C]TGCCGTCCTGACCCCTCGGTCCAGGCTCTCCCCGGTCTCCTTTGATGCCTGGCACACCCT-3'
Protein context (NP_000085.1, residues 2141-2161): GEPGPRGQDG[Asn2151Ser]PGLPGERGMA

ClinVar aggregate classification (germline): Uncertain significance (1 of 4 stars; one submission).

gnomAD v4.1: 22 of 1,613,948 alleles (0.0014%); highest among the groups gnomAD compares: South Asian, 0.019%; 1 homozygote.

Submission:

Labcorp Genetics (formerly Invitae), Labcorp
Classification: Uncertain significance. Last evaluated: 2025-08-11. Review status: criteria provided, single submitter. Criteria: Invitae Variant Classification Sherloc (09022015). Collection method: clinical testing. Allele origin: germline.
Comment: This sequence change replaces asparagine, which is neutral and polar, with serine, which is neutral and polar, at codon 2151 of the COL7A1 protein (p.Asn2151Ser). This variant is present in population databases (rs774535789, gnomAD 0.006%). This variant has not been reported in the literature in individuals affected with COL7A1-related conditions. Invitae Evidence Modeling of protein sequence and biophysical properties (such as structural, functional, and spatial information, amino acid conservation, physicochemical variation, residue mobility, and thermodynamic stability) indicates that this missense variant is not expected to disrupt COL7A1 protein function with a negative predictive value of 95%. In summary, the available evidence is currently insufficient to determine the role of this variant in disease. Therefore, it has been classified as a Variant of Uncertain Significance.